The following is an entry in ClinVar:

NM_000515.5(GH1):c.328C>G (p.Gln110Glu)

Genes: GH-LCR (growth hormone locus control region; plus strand), GH1 (growth hormone 1; minus strand). Cytogenetic location: 17q23.3.
Variant type: single nucleotide variant.
Coding change: c.328C>G on transcript NM_000515.5 (MANE Select); coding-DNA position 328, C replaced by G.
Protein change: p.Gln110Glu; replaces glutamine 110 with glutamic acid.
Molecular consequence: missense variant.
Genome position (GRCh38, 1-based): chr17:63,917,888, G>C on the plus strand (C>G on the coding strand, the complement: GH1 is on the minus strand). VCF-style: chr17-63917888-G-C. GRCh37 (hg19) VCF-style: chr17-61995248-G-C.
Other names: c.283C>G, p.Gln95Glu (NM_022559.4); c.208C>G, p.Gln70Glu (NM_022560.4); short protein forms Q110E, Q70E, Q95E.
Identifiers: ClinVar variation 892519 (VCV000892519.7), dbSNP rs150761983, ClinGen allele CA8708227.

ClinVar aggregate classification (germline): Uncertain significance. Review status: criteria provided, multiple submitters, no conflicts (2 of 4 stars). 3 submissions from 3 submitters: Uncertain significance (3). Last evaluated 2024-11-27.

Conditions:
Decreased response to growth hormone stimulation test. Also called: Growth hormone deficiency. Identifiers: MedGen C5539399, HP:0000824.

Allele frequency attached by ClinVar (database versions not stated): ESP Exome Variant Server 0.00008; gnomAD 0.00010 and 0.00011; gnomAD exomes 0.00011 and 0.00015; ExAC 0.00014; TOPMed 0.00017.

Submissions (3):

Women's Health and Genetics/Laboratory Corporation of America, LabCorp
Classification: Uncertain significance. Last evaluated: 2024-11-27. Review status: criteria provided, single submitter. Criteria: LabCorp Variant Classification Summary - May 2015. Collection method: clinical testing. Allele origin: germline.
Comment: Variant summary: GH1 c.328C>G (p.Gln110Glu) results in a conservative amino acid change located in the Somatotropin hormone family domain (IPR001400) of the encoded protein sequence. Three of five in-silico tools predict a benign effect of the variant on protein function. The variant allele was found at a frequency of 0.00011 in 251438 control chromosomes. This frequency is not significantly higher than estimated for a pathogenic variant in GH1 causing Idiopathic Growth Hormone Deficiency (0.00011 vs 0.011), allowing no conclusion about variant significance. c.328C>G has been reported in the literature in two heterozygous individuals in a family affected with clinical features of Growth Hormone Deficiency (Elmas_2018). These data indicate that the variant may be associated with disease. To our knowledge, no experimental evidence demonstrating an impact on protein function has been reported. The following publication have been ascertained in the context of this evaluation (PMID: 30426380). ClinVar contains an entry for this variant (Variation ID: 892519). Based on the evidence outlined above, the variant was classified as VUS-possibly pathogenic.

Blueprint Genetics
Classification: Uncertain significance. Last evaluated: 2024-08-20. Review status: criteria provided, single submitter. Criteria: ACMG Guidelines, 2015. Collection method: clinical testing. Allele origin: germline.

Illumina Laboratory Services, Illumina
Classification: Uncertain significance for Growth hormone deficiency. Last evaluated: 2017-04-27. Review status: criteria provided, single submitter. Criteria: ICSL Variant Classification Criteria 13 December 2019. Collection method: clinical testing. Allele origin: germline.

Literature cited by the submitters: PubMed 30426380 (cited by Women's Health and Genetics/Laboratory Corporation of America, LabCorp).